The following is an entry in ClinVar:

ClinVar aggregate classification (germline): Likely benign (1 of 4 stars; one submission).

Submission:

GeneDx
Classification: Likely benign. Last evaluated: 2017-05-10. Review status: criteria provided, single submitter. Criteria: GeneDx Variant Classification (06012015). Collection method: clinical testing. Allele origin: germline. Affected: yes.
Comment: This variant is considered likely benign or benign based on one or more of the following criteria: it is a conservative change, it occurs at a poorly conserved position in the protein, it is predicted to be benign by multiple in silico algorithms, and/or has population frequency not consistent with disease.

NM_000350.3(ABCA4):c.339C>T (p.Leu113=)

Gene: ABCA4 (ATP binding cassette subfamily A member 4; minus strand). Cytogenetic location: 1p22.1.
Variant type: single nucleotide variant.
Coding change: c.339C>T on transcript NM_000350.3 (MANE Select); coding-DNA position 339, C replaced by T.
Protein change: p.Leu113=; no amino-acid change (leucine 113 retained).
Molecular consequence: synonymous variant.
Genome position (GRCh38, 1-based): chr1:94,108,680, G>A on the plus strand (C>T on the coding strand, the complement: ABCA4 is on the minus strand). VCF-style: chr1-94108680-G-A. GRCh37 (hg19) VCF-style: chr1-94574236-G-A.
Other names: c.339C>T, p.Leu113= (NM_001425324.1).
Identifiers: ClinVar variation 509556 (VCV000509556.1), dbSNP rs1553196340, ClinGen allele CA418834035.